The following is an entry in ClinVar:

GRCh38/hg38 10q26.3(chr10:133538868-133620674)x3

Genes: CYP2E1 (cytochrome P450 family 2 subfamily E member 1; plus strand), SYCE1 (synaptonemal complex central element protein 1; minus strand). Cytogenetic location: 10q26.3.
Variant type: copy number gain.
Change: copy number 3 (three copies instead of two) of chr10:133,538,868-133,620,674 (81.8 kb, GRCh38 coordinates, 1-based), cytogenetic band 10q26.3.
Identifiers: ClinVar variation 161002 (VCV000161002.1).

ClinVar aggregate classification (germline): Benign (1 of 4 stars; one submission).

Submission:

ISCA site 4
Classification: Benign. Last evaluated: 2011-08-12. Review status: criteria provided, single submitter. Criteria: Kaminsky et al. (Genet Med. 2011). Collection method: clinical testing. Allele origin: unknown. Affected: yes. Observed: 4 variant alleles. Clinical features observed: Developmental delay AND/OR other significant developmental or morphological phenotypes, Intellectual disability (HP:0001249).
Comment: Copy number variation identified through the course of routine clinical cytogenomic testing in postnatal populations. Clinical assertions have been curated as described in Kaminsky et al. 2011.